The following is an entry in ClinVar:

ClinVar aggregate classification (germline): Conflicting classifications of pathogenicity. Review status: criteria provided, conflicting classifications (1 of 4 stars). 4 submissions from 4 submitters: Uncertain significance (1); Likely benign (3). Last evaluated 2024-10-25.

Allele frequency attached by ClinVar (database versions not stated): 1000 Genomes Project 30x 0.00016; ExAC 0.00018; gnomAD 0.00019; 1000 Genomes Project 0.00020; gnomAD exomes 0.00022 and 0.00028; ESP Exome Variant Server 0.00015; TOPMed 0.00015.

Submissions (4):

Blueprint Genetics
Classification: Likely benign. Last evaluated: 2024-10-25. Review status: criteria provided, single submitter. Criteria: ACMG Guidelines, 2015. Collection method: clinical testing. Allele origin: germline.

CeGaT Center for Human Genetics Tuebingen
Classification: Likely benign. Last evaluated: 2024-02-01. Review status: criteria provided, single submitter. Criteria: CeGaT Center For Human Genetics Tuebingen Variant Classification Criteria Version 2. Collection method: clinical testing. Allele origin: germline. Affected: yes. Observed: 1 variant allele.
Comment: KCNC3: PP2, BS1

Labcorp Genetics (formerly Invitae), Labcorp
Classification: Likely benign. Last evaluated: 2023-06-25. Review status: criteria provided, single submitter. Criteria: Invitae Variant Classification Sherloc (09022015). Collection method: clinical testing. Allele origin: germline.

Eurofins Ntd Llc (ga)
Classification: Uncertain significance. Last evaluated: 2015-05-04. Review status: criteria provided, single submitter. Criteria: EGL Classification Definitions 2015. Collection method: clinical testing. Allele origin: germline. Observed: 1 variant allele, 1 heterozygote.

NM_004977.3(KCNC3):c.1429G>A (p.Asp477Asn)

Gene: KCNC3 (potassium voltage-gated channel subfamily C member 3; minus strand). Cytogenetic location: 19q13.33.
Variant type: single nucleotide variant.
Coding change: c.1429G>A on transcript NM_004977.3 (MANE Select); coding-DNA position 1429, G replaced by A.
Protein change: p.Asp477Asn; replaces aspartic acid 477 with asparagine.
Molecular consequence: missense variant.
Genome position (GRCh38, 1-based): chr19:50,323,524, C>T on the plus strand (G>A on the coding strand, the complement: KCNC3 is on the minus strand). VCF-style: chr19-50323524-C-T. GRCh37 (hg19) VCF-style: chr19-50826781-C-T.
Other names: c.1201G>A, p.Asp401Asn (NM_001372305.1); short protein forms D477N, D401N.
Identifiers: ClinVar variation 195233 (VCV000195233.32), dbSNP rs148033381, ClinGen allele CA241564.
Genomic context (GRCh38, chr19:50,323,524, plus strand): 5'-CCCACCAGAAGCCAATGGGGATGTTCTTGAAGTAGGTGTGGTTGGAGCCCAGGATGTCAT[C>T]GGGGTCGGCGCCAATGCGCTCAGCGTAGTAAATCATGGTGGCGAAGATGAGCACCCCCAG-3'
Protein context (NP_004968.2, residues 467-487): YYAERIGADP[Asp477Asn]DILGSNHTYF